The following is an entry in ClinVar:

ClinVar aggregate classification (germline): Uncertain significance (1 of 4 stars; one submission).

Conditions:
Charcot-Marie-Tooth disease type 2R. Also called: Charcot-Marie-Tooth disease, axonal, type 2R; CHARCOT-MARIE-TOOTH NEUROPATHY, TYPE 2R; CHARCOT-MARIE-TOOTH DISEASE, AXONAL, AUTOSOMAL RECESSIVE, TYPE 2R. Identifiers: Orphanet 397968, MedGen C3809655, MONDO:0014208, OMIM 615490.

Submission:

Labcorp Genetics (formerly Invitae), Labcorp
Classification: Uncertain significance for Charcot-Marie-Tooth disease type 2R. Last evaluated: 2025-10-02. Review status: criteria provided, single submitter. Criteria: Invitae Variant Classification Sherloc (09022015). Collection method: clinical testing. Allele origin: germline.
Comment: This sequence change replaces arginine, which is basic and polar, with lysine, which is basic and polar, at codon 406 of the TRIM2 protein (p.Arg406Lys). This variant is not present in population databases (gnomAD no frequency). This variant has not been reported in the literature in individuals affected with TRIM2-related conditions. ClinVar contains an entry for this variant (Variation ID: 2878300). An algorithm developed to predict the effect of missense changes on protein structure and function (PolyPhen-2) suggests that this variant is likely to be tolerated. In summary, the available evidence is currently insufficient to determine the role of this variant in disease. Therefore, it has been classified as a Variant of Uncertain Significance.

NM_015271.5(TRIM2):c.1298G>A (p.Arg433Lys)

Gene: TRIM2 (tripartite motif containing 2; plus strand). Cytogenetic location: 4q31.3.
Variant type: single nucleotide variant.
Coding change: c.1298G>A on transcript NM_015271.5 (MANE Select); coding-DNA position 1298, G replaced by A.
Protein change: p.Arg433Lys; replaces arginine 433 with lysine.
Molecular consequence: missense variant.
Genome position (GRCh38, 1-based): chr4:153,295,824, G>A. VCF-style: chr4-153295824-G-A. GRCh37 (hg19) VCF-style: chr4-154216976-G-A.
Other names: c.1217G>A, p.Arg406Lys (NM_001375513.1, NM_001375514.1, NM_001375515.1 and 5 more transcripts); c.965G>A, p.Arg322Lys (NM_001375519.1); c.962G>A, p.Arg321Lys (NM_001375520.1); c.959G>A, p.Arg320Lys (NM_001375522.1, NM_001375523.1, NM_001375525.1); c.1271G>A, p.Arg424Lys (NM_001351054.2); c.1268G>A, p.Arg423Lys (NM_001351055.2); c.842G>A, p.Arg281Lys (NM_001351057.2); c.1391G>A, p.Arg464Lys (NM_001375488.1); and 3 more; short protein forms R281K, R414K, R433K, R406K, R463K, R320K, R321K, R424K.
Identifiers: ClinVar variation 2878300 (VCV002878300.3), dbSNP rs2546530408, ClinGen allele CA358473409.